The following is an entry in ClinVar:

NM_014956.5(CEP164):c.706G>A (p.Glu236Lys)

Gene: CEP164 (centrosomal protein 164; plus strand). Cytogenetic location: 11q23.3.
Variant type: single nucleotide variant.
Coding change: c.706G>A on transcript NM_014956.5 (MANE Select); coding-DNA position 706, G replaced by A.
Protein change: p.Glu236Lys; replaces glutamic acid 236 with lysine.
Molecular consequence: missense variant.
Genome position (GRCh38, 1-based): chr11:117,363,447, G>A. VCF-style: chr11-117363447-G-A. GRCh37 (hg19) VCF-style: chr11-117234163-G-A.
Other names: c.706G>A, p.Glu236Lys (NM_001271933.2); short protein forms E236K.
Identifiers: ClinVar variation 1396400 (VCV001396400.5), dbSNP rs749146317, ClinGen allele CA6294566.
Genomic context (GRCh38, chr11:117,363,447, plus strand): 5'-AGTTTCTTCAGAGTTACCACTTGTCATCATTTTTGTTTCTAGAGTGTCCACAGCTCAAGT[G>A]AGCCTCTTAGGAACCTACACCTGGACATTGGGGCACTGGGGGGTGACTTTGAGTATGAGG-3'
Protein context (NP_055771.4, residues 226-246): SDNQSVHSSS[Glu236Lys]PLRNLHLDIG

ClinVar aggregate classification (germline): Uncertain significance (1 of 4 stars; one submission).

Conditions:
Nephronophthisis 15 (NPHP15). Identifiers: Orphanet 3156, MedGen C3541853, MONDO:0013917, OMIM 614845.

Allele frequency attached by ClinVar (database versions not stated): gnomAD exomes below 0.00001; TOPMed below 0.00001; ExAC 0.00001.
gnomAD v4.1: 2 of 1,613,954 alleles (0.00012%); highest among the groups gnomAD compares: Non-Finnish European, 0.00017%; no homozygotes.

Submission:

Labcorp Genetics (formerly Invitae), Labcorp
Classification: Uncertain significance for Nephronophthisis 15. Last evaluated: 2021-08-27. Review status: criteria provided, single submitter. Criteria: Invitae Variant Classification Sherloc (09022015). Collection method: clinical testing. Allele origin: germline.
Comment: This sequence change replaces glutamic acid with lysine at codon 236 of the CEP164 protein (p.Glu236Lys). The glutamic acid residue is highly conserved and there is a small physicochemical difference between glutamic acid and lysine. This variant is present in population databases (rs749146317, ExAC 0.002%). This variant has not been reported in the literature in individuals affected with CEP164-related conditions. Algorithms developed to predict the effect of missense changes on protein structure and function (SIFT, PolyPhen-2, Align-GVGD) all suggest that this variant is likely to be tolerated. In summary, the available evidence is currently insufficient to determine the role of this variant in disease. Therefore, it has been classified as a Variant of Uncertain Significance.